The following is an entry in ClinVar:

NM_001123385.2(BCOR):c.1629_1644del (p.Cys544fs)

Gene: BCOR (BCL6 corepressor; minus strand). Cytogenetic location: Xp11.4.
Variant type: Deletion.
Coding change: c.1629_1644del on transcript NM_001123385.2 (MANE Select); coding-DNA positions 1629 to 1644, 16 bases deleted (ATGCCCGCGCATGGGC).
Protein change: p.Cys544fs; shifts the reading frame from cysteine 544.
Molecular consequence: frameshift variant.
Genome position (GRCh38, 1-based): chrX:40,073,702-40,073,717, GCCCATGCGCGGGCAT deleted on the plus strand (ATGCCCGCGCATGGGC on the coding strand, the reverse complement: BCOR is on the minus strand); deleting any 16 consecutive bases within chrX:40,073,702-40,073,718 gives the same sequence; the c. name uses the placement nearest the transcript's 3' end. VCF-style (leftmost placement, unchanged base first): chrX-40073701-CGCCCATGCGCGGGCAT-C. GRCh37 (hg19) VCF-style: chrX-39932954-CGCCCATGCGCGGGCAT-C.
Other names: c.1629_1644del, p.Cys544fs (NM_001123383.2, NM_001123384.2, NM_001437510.1 and 4 more transcripts); short protein forms C544fs.
Identifiers: ClinVar variation 4530156 (VCV004530156.1).
Genomic context (GRCh38, chrX:40,073,701, plus strand): 5'-AGGCTGGGCGGCCTGCACTCGACACTGACCCTGAAACGTTAGTGATGACAGCATCGGTGC[CGCCCATGCGCGGGCAT>C]GATGAACTCCGCTGCTGTGGTATCGCCCAGTCCAATGCCTTGTTTTTCAGCGACATGCTT-3'

ClinVar aggregate classification (somatic clinical impact): Tier I - Strong (1 of 4 stars; one submission).

Conditions:
Embryonal rhabdomyosarcoma (ERMS). Also called: Botryoid rhabdomyosarcoma (type of ERMS); Spindle cell rhabdomyosarcomas (type of ERMS). Identifiers: Orphanet 99757, MedGen C0206656, MONDO:0009993, HP:0006743.

Submission:

Institute for Genomic Medicine (IGM) Clinical Laboratory, Nationwide Children's Hospital
Classification: Tier I - Strong for Embryonal rhabdomyosarcoma. Assertion type: diagnostic. Clinical significance: supports diagnosis. Last evaluated: 2023-03-21. Review status: criteria provided, single submitter. Criteria: AMP/ASCO/CAP Guidelines, 2017. Collection method: clinical testing. Allele origin: somatic. Affected: yes.
Comment: Variant has Tier I (strong) clinical significance as a diagnostic inclusion criterion in embryonal rhabdomyosarcoma, based on the following evidence: 1) Appears in one or more well-established professional guidelines (e.g., World Health Organization [WHO]; National Comprehensive Cancer Network [NCCN]) as providing diagnostic, prognostic, or therapeutic information. 2) Information in the literature supports potential biologic effect of variant. 3) Diagnostic for a specific tumor type/classification based on well-powered studies with expert-level consensus (Evidence Level B; PMIDs: 24436047, 34166060, 26138366, 25768946).

Literature cited by the submitters: PubMed 24436047; PubMed 34166060; PubMed 26138366; PubMed 25768946.